The following is an entry in ClinVar:

NM_000369.5(TSHR):c.1891T>G (p.Phe631Val)

Genes: TSHR (thyroid stimulating hormone receptor; plus strand), TSHR-AS1 (TSHR antisense RNA 1; minus strand). Cytogenetic location: 14q31.1.
Variant type: single nucleotide variant.
Coding change: c.1891T>G on transcript NM_000369.5 (MANE Select); coding-DNA position 1891, T replaced by G.
Protein change: p.Phe631Val; replaces phenylalanine 631 with valine.
Molecular consequence: missense variant.
Genome position (GRCh38, 1-based): chr14:81,143,949, T>G. VCF-style: chr14-81143949-T-G. GRCh37 (hg19) VCF-style: chr14-81610293-T-G.
Other names: short protein forms F631V.
Identifiers: ClinVar variation 2572589 (VCV002572589.1), dbSNP rs121908861, ClinGen allele CA390728843.

ClinVar aggregate classification (germline): Likely pathogenic (1 of 4 stars; one submission).

Conditions:
Familial hyperthyroidism due to mutations in TSH receptor. Also called: HYPERTHYROIDISM, CONGENITAL NONAUTOIMMUNE; HYPERTHYROIDISM, NONAUTOIMMUNE, AUTOSOMAL DOMINANT; TOXIC THYROID HYPERPLASIA, AUTOSOMAL DOMINANT. Identifiers: Orphanet 424, MedGen C1836706, MONDO:0012203, OMIM 609152.

Submission:

3billion
Classification: Likely pathogenic for Familial hyperthyroidism due to mutations in TSH receptor. Review status: criteria provided, single submitter. Criteria: ACMG Guidelines, 2015. Collection method: clinical testing. Allele origin: unknown. Affected: yes. Observed: 1 heterozygote.
Comment: The variant is not observed in the gnomAD v2.1.1 dataset. Missense changes are a common disease-causing mechanism. Functional studies provide moderate evidence of having a damaging effect on the gene or gene product (PMID: 15876166). In silico tool predictions suggest damaging effect of the variant on gene or gene product (REVEL: 0.85; 3Cnet: 0.78). The same nucleotide change resulting in the same amino acid change has been previously reported to be associated with TSHR-related disorder (PMID: 15876166). Different missense changes at the the same codon (p.Phe631Leu, p.Phe631Ser) have been reported to be associated with TSHR-related disorder (ClinVar ID: VCV000006433/PMID: 16756474, 7800007). Therefore, this variant is classified as likely pathogenic according to the recommendation of ACMG/AMP guideline.

Literature cited by the submitters: PubMed 7800007; PubMed 16756474; PubMed 15876166.